The following is an entry in ClinVar:

NM_000603.5(NOS3):c.608C>A (p.Ser203Tyr)

Gene: NOS3 (nitric oxide synthase 3; plus strand). Cytogenetic location: 7q36.1.
Variant type: single nucleotide variant.
Coding change: c.608C>A on transcript NM_000603.5 (MANE Select); coding-DNA position 608, C replaced by A.
Protein change: p.Ser203Tyr; replaces serine 203 with tyrosine.
Molecular consequence: missense variant.
Genome position (GRCh38, 1-based): chr7:150,998,382, C>A. VCF-style: chr7-150998382-C-A. GRCh37 (hg19) VCF-style: chr7-150695470-C-A.
Other names: c.608C>A, p.Ser203Tyr (NM_001160109.2, NM_001160110.1, NM_001160111.1); short protein forms S203Y.
Identifiers: ClinVar variation 1049058 (VCV001049058.1), dbSNP rs763096145, ClinGen allele CA4566688.

ClinVar aggregate classification (germline): Uncertain significance (0 of 4 stars; one submission).

Allele frequency attached by ClinVar (database versions not stated): gnomAD exomes below 0.00001; TOPMed below 0.00001; ExAC 0.00001.
gnomAD v4.1: 6 of 1,612,388 alleles (0.00037%); highest among the groups gnomAD compares: Non-Finnish European, 0.00051%; no homozygotes.

Submission:

Department of Pathology and Laboratory Medicine, Sinai Health System
Classification: Uncertain significance. Review status: no assertion criteria provided. Collection method: clinical testing. Allele origin: unknown. Affected: yes. Study: The Canadian Open Genetics Repository (COGR).
Comment: The NOS3 p.Ser203Tyr variant was not identified in the literature nor was it identified in ClinVar or LOVD 3.0. The variant was identified in dbSNP (ID: rs763096145) and in control databases in 1 of 248848 chromosomes at a frequency of 0.000004019 (Genome Aggregation Database March 6, 2019, v2.1.1). The variant was observed in the European (non-Finnish) population in 1 of 112106 chromosomes (freq: 0.000009), but was not observed in the African, Latino, Ashkenazi Jewish, East Asian, European (Finnish), Other or South Asian populations. Although the p.Ser203 residue is not conserved in mammals and other organisms, computational analyses (PolyPhen-2, SIFT, AlignGVGD, BLOSUM, MutationTaster) suggest that the variant may impact the protein. The variant occurs outside of the splicing consensus sequence and three of four in silico or computational prediction software programs (SpliceSiteFinder, MaxEntScan, NNSPLICE, GeneSplicer) predict a greater than 10% difference in splicing. However, this information is not predictive enough to assume pathogenicity. In summary, based on the above information the clinical significance of this variant cannot be determined with certainty at this time. This variant is classified as a variant of uncertain significance.